The following is an entry in ClinVar:

ClinVar aggregate classification (germline): Uncertain significance. Review status: criteria provided, multiple submitters, no conflicts (2 of 4 stars). 2 submissions from 2 submitters: Uncertain significance (2). Last evaluated 2023-01-06.

Conditions:
KBG syndrome (KBGS). Also called: ANKRD11-Related KBG Syndrome. Identifiers: Orphanet 2332, MedGen C0220687, MONDO:0007846, OMIM 148050.

gnomAD v4.1: 2 of 1,611,172 alleles (0.00012%); highest among the groups gnomAD compares: South Asian, 0.0011%; no homozygotes.

Submissions (2):

Labcorp Genetics (formerly Invitae), Labcorp
Classification: Uncertain significance for KBG syndrome. Last evaluated: 2023-01-06. Review status: criteria provided, single submitter. Criteria: Invitae Variant Classification Sherloc (09022015). Collection method: clinical testing. Allele origin: germline.
Comment: In summary, the available evidence is currently insufficient to determine the role of this variant in disease. Therefore, it has been classified as a Variant of Uncertain Significance. Advanced modeling of protein sequence and biophysical properties (such as structural, functional, and spatial information, amino acid conservation, physicochemical variation, residue mobility, and thermodynamic stability) performed at Invitae indicates that this missense variant is not expected to disrupt ANKRD11 protein function. This variant has not been reported in the literature in individuals affected with ANKRD11-related conditions. This variant is not present in population databases (gnomAD no frequency). This sequence change replaces aspartic acid, which is acidic and polar, with tyrosine, which is neutral and polar, at codon 781 of the ANKRD11 protein (p.Asp781Tyr).

GeneDx
Classification: Uncertain significance. Last evaluated: 2022-08-08. Review status: criteria provided, single submitter. Criteria: GeneDx Variant Classification Process June 2021. Collection method: clinical testing. Allele origin: germline. Affected: yes.
Comment: Not observed at significant frequency in large population cohorts (gnomAD); In silico analysis supports that this missense variant has a deleterious effect on protein structure/function; Has not been previously published as pathogenic or benign to our knowledge

NM_013275.6(ANKRD11):c.2341G>T (p.Asp781Tyr)

Gene: ANKRD11 (ankyrin repeat domain 11; minus strand). Cytogenetic location: 16q24.3.
Variant type: single nucleotide variant.
Coding change: c.2341G>T on transcript NM_013275.6 (MANE Select); coding-DNA position 2341, G replaced by T.
Protein change: p.Asp781Tyr; replaces aspartic acid 781 with tyrosine.
Molecular consequence: missense variant.
Genome position (GRCh38, 1-based): chr16:89,284,201, C>A on the plus strand (G>T on the coding strand, the complement: ANKRD11 is on the minus strand). VCF-style: chr16-89284201-C-A. GRCh37 (hg19) VCF-style: chr16-89350609-C-A.
Other names: c.2341G>T, p.Asp781Tyr (NM_001256182.2, NM_001256183.2); short protein forms D781Y.
Identifiers: ClinVar variation 2429616 (VCV002429616.4), dbSNP rs2034484200, ClinGen allele CA397162639.